The following is an entry in ClinVar:

ClinVar aggregate classification (germline): Pathogenic (1 of 4 stars; one submission).

Conditions:
Familial adenomatous polyposis 1 (FAP1). Also called: FAMILIAL ADENOMATOUS POLYPOSIS 1, ATTENUATED; POLYPOSIS, ADENOMATOUS INTESTINAL. Identifiers: MedGen C2713442, MONDO:0021056, OMIM 175100. Disease mechanism: loss of function.

Submission:

Myriad Genetics, Inc.
Classification: Pathogenic for Familial adenomatous polyposis 1. Last evaluated: 2023-04-24. Review status: criteria provided, single submitter. Criteria: Myriad Autosomal Dominant, Autosomal Recessive and X-Linked Classification Criteria (2023). Collection method: clinical testing. Allele origin: unknown.
Comment: This variant is considered pathogenic. This variant creates a termination codon and is predicted to result in premature protein truncation.

NM_000038.6(APC):c.62C>A (p.Ser21Ter)

Gene: APC (APC regulator of Wnt signaling pathway; plus strand). Cytogenetic location: 5q22.2.
Variant type: single nucleotide variant.
Coding change: c.62C>A on transcript NM_000038.6 (MANE Select); coding-DNA position 62, C replaced by A.
Protein change: p.Ser21Ter; replaces serine 21 with a stop codon.
Molecular consequence: nonsense. On other transcripts: 5 prime UTR variant (4), non-coding transcript variant (2), intron variant (11).
Genome position (GRCh38, 1-based): chr5:112,754,952, C>A. VCF-style: chr5-112754952-C-A. GRCh37 (hg19) VCF-style: chr5-112090649-C-A.
Other names: c.62C>A, p.Ser21Ter (NM_001127510.3, NM_001354895.2, NM_001354896.2 and 16 more transcripts); c.-974C>A (NM_001354906.2, NM_001407470.1, NM_001407471.1 and 1 more transcripts); c.166-11374C>A (NM_001407446.1, NM_001354897.2, NM_001354902.2 and 1 more transcripts); c.-42-11374C>A (NM_001407453.1, NM_001354900.2, NM_001354901.2 and 1 more transcripts); c.61-11374C>A (NM_001407451.1, NM_001354898.2, NM_001354904.2); short protein forms S21*.
Identifiers: ClinVar variation 2584117 (VCV002584117.1), dbSNP rs1361289668, ClinGen allele CA16021476.